The following is an entry in ClinVar:

ClinVar aggregate classification (germline): Uncertain significance (1 of 4 stars; one submission).

Conditions:
Hereditary breast ovarian cancer syndrome. Also called: Hereditary breast and ovarian cancer syndrome (HBOC); Breast and ovarian cancer; BRCA1- and BRCA2-Associated Hereditary Breast and Ovarian Cancer; Hereditary breast and ovarian cancer syndrome; Hereditary breast and ovarian cancer; Hereditary breast and/or ovarian cancer syndrome. Identifiers: Orphanet 145, MedGen C0677776, MeSH D061325, MONDO:0003582. Disease mechanism: loss of function.

Allele frequency attached by ClinVar (database versions not stated): gnomAD 0.00001; TOPMed 0.00001.
gnomAD v4.1: 1 of 1,613,814 alleles (0.000062%); highest among the groups gnomAD compares: African/African-American, 0.0013%; no homozygotes.

Submission:

Labcorp Genetics (formerly Invitae), Labcorp
Classification: Uncertain significance for Hereditary breast ovarian cancer syndrome. Last evaluated: 2022-02-06. Review status: criteria provided, single submitter. Criteria: Invitae Variant Classification Sherloc (09022015). Collection method: clinical testing. Allele origin: germline.
Comment: In summary, the available evidence is currently insufficient to determine the role of this variant in disease. Therefore, it has been classified as a Variant of Uncertain Significance. Advanced modeling of protein sequence and biophysical properties (such as structural, functional, and spatial information, amino acid conservation, physicochemical variation, residue mobility, and thermodynamic stability) performed at Invitae indicates that this missense variant is not expected to disrupt BRCA2 protein function. This variant has not been reported in the literature in individuals affected with BRCA2-related conditions. This variant is not present in population databases (gnomAD no frequency). This sequence change replaces proline, which is neutral and non-polar, with serine, which is neutral and polar, at codon 2914 of the BRCA2 protein (p.Pro2914Ser).

NM_000059.4(BRCA2):c.8740C>T (p.Pro2914Ser)

Gene: BRCA2 (BRCA2 DNA repair associated; plus strand). Cytogenetic location: 13q13.1.
Variant type: single nucleotide variant.
Coding change: c.8740C>T on transcript NM_000059.4 (MANE Select); coding-DNA position 8740, C replaced by T.
Protein change: p.Pro2914Ser; replaces proline 2914 with serine.
Molecular consequence: missense variant.
Genome position (GRCh38, 1-based): chr13:32,376,777, C>T. VCF-style: chr13-32376777-C-T. GRCh37 (hg19) VCF-style: chr13-32950914-C-T.
Other names: c.8644C>T, p.Pro2882Ser (NM_001406719.1); c.8740C>T, p.Pro2914Ser (NM_001406720.1); c.3808C>T, p.Pro1270Ser (NM_001406721.1); c.2323C>T, p.Pro775Ser (NM_001406722.1); short protein forms P2882S, P775S, P1270S, P2914S.
Identifiers: ClinVar variation 1909908 (VCV001909908.5), dbSNP rs876660226, ClinGen allele CA387755039.